The following is an entry in ClinVar:

NC_000016.10:g.88715060C>A

Genes: CTU2 (cytosolic thiouridylase subunit 2; plus strand), PIEZO1 (piezo type mechanosensitive ion channel component 1 (Er blood group); minus strand). Cytogenetic location: 16q24.3.
Variant type: single nucleotide variant.
Molecular consequence: missense variant (on NM_001012759.3). On other transcripts: intron variant (1).
Genome position: GRCh38 VCF-style: chr16-88715060-C-A. GRCh37 (hg19) VCF-style: chr16-88781468-C-A.
Other names: c.1432C>A, p.Pro478Thr (NM_001012759.3); c.1645C>A, p.Pro549Thr (NM_001318507.2); c.1171C>A, p.Pro391Thr (NM_001318513.2); c.1420-122C>A (NM_001012762.3); short protein forms P391T, P478T, P549T.
Identifiers: ClinVar variation 2499790 (VCV002499790.1), dbSNP rs1475240262, ClinGen allele CA397068118.

ClinVar aggregate classification (germline): Uncertain significance (1 of 4 stars; one submission).

Allele frequency attached by ClinVar (database versions not stated): gnomAD 0.00001.

Submission:

GeneDx
Classification: Uncertain significance. Last evaluated: 2022-10-24. Review status: criteria provided, single submitter. Criteria: GeneDx Variant Classification Process June 2021. Collection method: clinical testing. Allele origin: germline. Affected: yes.
Comment: Not observed at significant frequency in large population cohorts (gnomAD); In silico analysis supports that this missense variant has a deleterious effect on protein structure/function; Has not been previously published as pathogenic or benign to our knowledge